The following is an entry in ClinVar:

ClinVar aggregate classification (germline): Uncertain significance (1 of 4 stars; one submission).

Submission:

Labcorp Genetics (formerly Invitae), Labcorp
Classification: Uncertain significance. Last evaluated: 2021-01-01. Review status: criteria provided, single submitter. Criteria: Invitae Variant Classification Sherloc (09022015). Collection method: clinical testing. Allele origin: germline.
Comment: This variant, c.492_518del, results in the deletion of 9 amino acid(s) of the ZSWIM6 protein (p.Thr167_Ala175del), but otherwise preserves the integrity of the reading frame. The frequency data for this variant in the population databases is considered unreliable, as metrics indicate insufficient coverage at this position in the ExAC database. This variant has not been reported in the literature in individuals with ZSWIM6-related conditions. Experimental studies and prediction algorithms are not available or were not evaluated, and the functional significance of this variant is currently unknown. In summary, the available evidence is currently insufficient to determine the role of this variant in disease. Therefore, it has been classified as a Variant of Uncertain Significance.

NM_020928.2(ZSWIM6):c.492_518del (p.Thr167_Ala175del)

Gene: ZSWIM6 (zinc finger SWIM-type containing 6; plus strand). Cytogenetic location: 5q12.1.
Variant type: Deletion.
Coding change: c.492_518del on transcript NM_020928.2 (MANE Select); coding-DNA positions 492 to 518, 27 bases deleted (GGCCGCAACCTCGGCCGCCGCCGCCGC).
Protein change: p.Thr167_Ala175del.
Molecular consequence: inframe deletion.
Genome position (GRCh38, 1-based): chr5:61,332,764-61,332,790, GGCCGCAACCTCGGCCGCCGCCGCCGC deleted; deleting any 27 consecutive bases within chr5:61,332,762-61,332,790 gives the same sequence; the c. name uses the placement nearest the transcript's 3' end. VCF-style (leftmost placement, unchanged base first): chr5-61332761-GGCGGCCGCAACCTCGGCCGCCGCCGCC-G. GRCh37 (hg19) VCF-style: chr5-60628588-GGCGGCCGCAACCTCGGCCGCCGCCGCC-G.
Identifiers: ClinVar variation 1988865 (VCV001988865.4), dbSNP rs1322026176, ClinGen allele CA812782066.